The following is an entry in ClinVar:

NM_015896.4(ZMYND10):c.88G>T (p.Glu30Ter)

Gene: ZMYND10 (zinc finger MYND-type containing 10; minus strand). Cytogenetic location: 3p21.31.
Variant type: single nucleotide variant.
Coding change: c.88G>T on transcript NM_015896.4 (MANE Select); coding-DNA position 88, G replaced by T.
Protein change: p.Glu30Ter; replaces glutamic acid 30 with a stop codon.
Molecular consequence: nonsense.
Genome position (GRCh38, 1-based): chr3:50,345,492, C>A on the plus strand (G>T on the coding strand, the complement: ZMYND10 is on the minus strand). VCF-style: chr3-50345492-C-A. GRCh37 (hg19) VCF-style: chr3-50382923-C-A.
Other names: c.88G>T, p.Glu30Ter (NM_001308379.2); short protein forms E30*.
Identifiers: ClinVar variation 2742750 (VCV002742750.3), dbSNP rs587731307, ClinGen allele CA352945927.
Genomic context (GRCh38, chr3:50,345,492, plus strand): 5'-AGCTCCCCGACTCAAGGACAATGACTCCGGGACTCCGCCTGACCCGGGTGCCTCACCCTT[C>A]GGAGCCCATCTCGCGTAGCGGGAAGCTGCGCAGACCCCGCACCAGCACTTCAGCTTCCCC-3'

ClinVar aggregate classification (germline): Pathogenic (1 of 4 stars; one submission).

Conditions:
Primary ciliary dyskinesia. Also called: Ciliary dyskinesia. Identifiers: Orphanet 244, MedGen C0008780, MONDO:0016575, HP:0012265.

Submission:

Labcorp Genetics (formerly Invitae), Labcorp
Classification: Pathogenic for Primary ciliary dyskinesia. Last evaluated: 2024-01-07. Review status: criteria provided, single submitter. Criteria: Invitae Variant Classification Sherloc (09022015). Collection method: clinical testing. Allele origin: germline.
Comment: This sequence change creates a premature translational stop signal (p.Glu30*) in the ZMYND10 gene. It is expected to result in an absent or disrupted protein product. Loss-of-function variants in ZMYND10 are known to be pathogenic (PMID: 23891469, 23891471). This variant is not present in population databases (gnomAD no frequency). This variant has not been reported in the literature in individuals affected with ZMYND10-related conditions. For these reasons, this variant has been classified as Pathogenic.

Literature cited by the submitters: PubMed 23891469; PubMed 23891471.